The following is an entry in ClinVar:

NM_002048.3(GAS1):c.889G>A (p.Gly297Ser)

Gene: GAS1 (growth arrest specific 1; minus strand). Cytogenetic location: 9q21.33.
Variant type: single nucleotide variant.
Coding change: c.889G>A on transcript NM_002048.3 (MANE Select); coding-DNA position 889, G replaced by A.
Protein change: p.Gly297Ser; replaces glycine 297 with serine.
Molecular consequence: missense variant.
Genome position (GRCh38, 1-based): chr9:86,945,891, C>T on the plus strand (G>A on the coding strand, the complement: GAS1 is on the minus strand). VCF-style: chr9-86945891-C-T. GRCh37 (hg19) VCF-style: chr9-89560806-C-T.
Other names: short protein forms G297S.
Identifiers: ClinVar variation 4702760 (VCV004702760.1).
Genomic context (GRCh38, chr9:86,945,891, plus strand): 5'-TCCTGCGCCCAGGCCCATAGGGCAGGTCCCCGCGGCCGCCCGATGCAGCAGCGCCGCTGC[C>T]CGGGCGCGGTGGGTGCGGGACGCCGTCGTCGTCGTCCAGCGGCTGCTCACCACCCGCGCC-3'
Protein context (NP_002039.2, residues 287-307): DDGVPHPPRP[Gly297Ser]SGAAASGGRG

ClinVar aggregate classification (germline): Uncertain significance (1 of 4 stars; one submission).

Submission:

Labcorp Genetics (formerly Invitae), Labcorp
Classification: Uncertain significance. Last evaluated: 2025-09-04. Review status: criteria provided, single submitter. Criteria: Invitae Variant Classification Sherloc (09022015). Collection method: clinical testing. Allele origin: germline.
Comment: This sequence change replaces glycine, which is neutral and non-polar, with serine, which is neutral and polar, at codon 297 of the GAS1 protein (p.Gly297Ser). This variant is not present in population databases (gnomAD no frequency). This variant has not been reported in the literature in individuals affected with GAS1-related conditions. An algorithm developed to predict the effect of missense changes on protein structure and function (PolyPhen-2) suggests that this variant is likely to be disruptive. In summary, the available evidence is currently insufficient to determine the role of this variant in disease. Therefore, it has been classified as a Variant of Uncertain Significance.